The following is an entry in ClinVar:

NM_005228.5(EGFR):c.3163-2A>G

Gene: EGFR (epidermal growth factor receptor; plus strand). Cytogenetic location: 7p11.2.
Variant type: single nucleotide variant.
Coding change: c.3163-2A>G on transcript NM_005228.5 (MANE Select); the canonical splice acceptor site of the intron before coding-DNA position 3163, A replaced by G.
Molecular consequence: splice acceptor variant.
Genome position (GRCh38, 1-based): chr7:55,202,515, A>G. VCF-style: chr7-55202515-A-G. GRCh37 (hg19) VCF-style: chr7-55270208-A-G.
Other names: c.3028-2A>G (NM_001346899.2, NM_001346897.2); c.2362-2A>G (NM_001346941.2); c.3163-2A>G (NM_001346898.2); c.3004-2A>G (NM_001346900.2).
Identifiers: ClinVar variation 3725171 (VCV003725171.2).
Genomic context (GRCh38, chr7:55,202,515, plus strand): 5'-TTGCAAACACTGAAGTTGGGGCAGCCCTGACCGGAGTAACCTTCCCTCATTTCCTCCTGC[A>G]GCTGCAAAGCTGTCCCATCAAGGAAGACAGCTTCTTGCAGCGATACAGCTCAGACCCCAC-3'

ClinVar aggregate classification (germline): Likely pathogenic (1 of 4 stars; one submission).

Conditions:
EGFR-related lung cancer (EGFR). Identifiers: MedGen CN130014.

Submission:

Labcorp Genetics (formerly Invitae), Labcorp
Classification: Likely pathogenic for EGFR-related lung cancer. Last evaluated: 2024-11-13. Review status: criteria provided, single submitter. Criteria: Invitae Variant Classification Sherloc (09022015). Collection method: clinical testing. Allele origin: germline.
Comment: This sequence change affects an acceptor splice site in intron 26 of the EGFR gene. It is expected to disrupt RNA splicing. Variants that disrupt the donor or acceptor splice site typically lead to a loss of protein function (PMID: 16199547), and loss-of-function variants in EGFR are known to be pathogenic (PMID: 7630400, 28726809, 29899996). This variant is not present in population databases (gnomAD no frequency). This variant has not been reported in the literature in individuals affected with EGFR-related conditions. Algorithms developed to predict the effect of sequence changes on RNA splicing suggest that this variant may disrupt the consensus splice site. In summary, the currently available evidence indicates that the variant is pathogenic, but additional data are needed to prove that conclusively. Therefore, this variant has been classified as Likely Pathogenic.

Literature cited by the submitters: PubMed 16199547; PubMed 7630400; PubMed 28726809; PubMed 29899996.